The following is an entry in ClinVar:

NM_006379.5(SEMA3C):c.980C>T (p.Thr327Ile)

Gene: SEMA3C (semaphorin 3C; minus strand). Cytogenetic location: 7q21.11.
Variant type: single nucleotide variant.
Coding change: c.980C>T on transcript NM_006379.5 (MANE Select); coding-DNA position 980, C replaced by T.
Protein change: p.Thr327Ile; replaces threonine 327 with isoleucine.
Molecular consequence: missense variant.
Genome position (GRCh38, 1-based): chr7:80,800,763, G>A on the plus strand (C>T on the coding strand, the complement: SEMA3C is on the minus strand). VCF-style: chr7-80800763-G-A. GRCh37 (hg19) VCF-style: chr7-80430079-G-A.
Other names: c.1034C>T, p.Thr345Ile (NM_001350120.2); c.806C>T, p.Thr269Ile (NM_001350121.2); short protein forms T269I, T327I, T345I.
Identifiers: ClinVar variation 3358536 (VCV003358536.1).
Genomic context (GRCh38, chr7:80,800,763, plus strand): 5'-TTACTCCATGAAGTTTATTGTTTAACTCATAAAATGTAACTGTTGAATAATTACCTTGAT[G>A]TTGTAAAAATGCCATACACTAGTGTTGTCCTCGGGTTATCAGTTTCCAGCAGAAACACAT-3'
Protein context (NP_006370.1, residues 317-337): RTTLVYGIFT[Thr327Ile]SSSVFKGSAV

ClinVar aggregate classification (germline): Uncertain significance (0 of 4 stars; one submission).

Conditions:
SEMA3C-related disorder. Also called: SEMA3C-related condition.

gnomAD v4.1: 27 of 1,522,786 alleles (0.0018%); highest among the groups gnomAD compares: African/African-American, 0.014%; no homozygotes.

Submission:

PreventionGenetics, part of Exact Sciences
Classification: Uncertain significance for SEMA3C-related condition. Last evaluated: 2024-05-22. Review status: no assertion criteria provided. Collection method: clinical testing. Allele origin: germline.
Comment: The SEMA3C c.1034C>T variant is predicted to result in the amino acid substitution p.Thr345Ile. To our knowledge, this variant has not been reported in the literature. This variant is reported in 0.015% of alleles in individuals of African descent in gnomAD. At this time, the clinical significance of this variant is uncertain due to the absence of conclusive functional and genetic evidence.